The following is an entry in ClinVar:

NM_024809.5(TCTN2):c.1810T>C (p.Cys604Arg)

Gene: TCTN2 (tectonic family member 2; plus strand). Cytogenetic location: 12q24.31.
Variant type: single nucleotide variant.
Coding change: c.1810T>C on transcript NM_024809.5 (MANE Select); coding-DNA position 1810, T replaced by C.
Protein change: p.Cys604Arg; replaces cysteine 604 with arginine.
Molecular consequence: missense variant.
Genome position (GRCh38, 1-based): chr12:123,706,766, T>C. VCF-style: chr12-123706766-T-C. GRCh37 (hg19) VCF-style: chr12-124191313-T-C.
Other names: c.1807T>C, p.Cys603Arg (NM_001143850.3); c.1675T>C, p.Cys559Arg (NM_001410989.1); short protein forms C559R, C603R, C604R.
Identifiers: ClinVar variation 1979719 (VCV001979719.4), dbSNP rs1047088459, ClinGen allele CA245171216.

ClinVar aggregate classification (germline): Uncertain significance (1 of 4 stars; one submission).

Conditions:
Joubert syndrome. Also called: CEREBELLOPARENCHYMAL DISORDER IV; JOUBERT-BOLTSHAUSER SYNDROME; Familial aplasia of the vermis. Identifiers: Orphanet 475, MedGen C5979921, MONDO:0018772.
Meckel-Gruber syndrome. Also called: DYSENCEPHALIA SPLANCHNOCYSTICA; GRUBER SYNDROME; Dysencephalia splachnocystica. Identifiers: Orphanet 564, MedGen C0265215, MONDO:0018921.

Allele frequency attached by ClinVar (database versions not stated): TOPMed below 0.00001.

Submission:

Labcorp Genetics (formerly Invitae), Labcorp
Classification: Uncertain significance for Joubert syndrome; Meckel-Gruber syndrome. Last evaluated: 2022-06-18. Review status: criteria provided, single submitter. Criteria: Invitae Variant Classification Sherloc (09022015). Collection method: clinical testing. Allele origin: germline.
Comment: In summary, the available evidence is currently insufficient to determine the role of this variant in disease. Therefore, it has been classified as a Variant of Uncertain Significance. Algorithms developed to predict the effect of missense changes on protein structure and function (SIFT, PolyPhen-2, Align-GVGD) all suggest that this variant is likely to be disruptive. This variant has not been reported in the literature in individuals affected with TCTN2-related conditions. This variant is not present in population databases (gnomAD no frequency). This sequence change replaces cysteine, which is neutral and slightly polar, with arginine, which is basic and polar, at codon 604 of the TCTN2 protein (p.Cys604Arg).